The following is an entry in ClinVar:

NM_007294.4(BRCA1):c.3482_3492del (p.Glu1161fs)

Genes: BRCA1 (BRCA1 DNA repair associated; minus strand), LOC126862571 (BRD4-independent group 4 enhancer GRCh37_chr17:41243136-41244335; plus strand). Cytogenetic location: 17q21.31.
Variant type: Deletion.
Coding change: c.3482_3492del on transcript NM_007294.4 (MANE Select); coding-DNA positions 3482 to 3492, 11 bases deleted (AAGATACTAGT).
Protein change: p.Glu1161fs; shifts the reading frame from glutamic acid 1161.
Molecular consequence: frameshift variant. On other transcripts: intron variant (135).
Genome position (GRCh38, 1-based): chr17:43,092,039-43,092,049, ACTAGTATCTT deleted on the plus strand (AAGATACTAGT on the coding strand, the reverse complement: BRCA1 is on the minus strand). VCF-style (leftmost placement, unchanged base first): chr17-43092038-AACTAGTATCTT-A. GRCh37 (hg19) VCF-style: chr17-41244055-AACTAGTATCTT-A.
Other names: 3601del11; c.2594_2604del, p.Glu865fs (NM_001407966.1, NM_001407967.1); c.878_888del, p.Glu293fs (NM_001407968.1, NM_001407969.1); c.3482_3492delAAGATACTAGT, p.Glu1161Valfs (NM_007294.3); c.3341_3351del, p.Glu1114fs (NM_007297.4, NM_001407692.1, NM_001407694.1 and 29 more transcripts); c.3482_3492del, p.Glu1161fs (NM_007300.4, NM_001407581.1, NM_001407582.1 and 30 more transcripts); c.647-1017_647-1007del (NM_001408458.1, NM_001408469.1, NM_001408453.1 and 11 more transcripts); c.284-1017_284-1007del (NM_001408512.1); and 43 more; short protein forms E1161fs, E1114fs, E1034fs, E1073fs, E1093fs, E1094fs, E1120fs, E1134fs.
Identifiers: ClinVar variation 266374 (VCV000266374.6), dbSNP rs886040133, ClinGen allele CA10589747.
Genomic context (GRCh38, chr17:43,092,038, plus strand): 5'-CTCCTTTCTGGACGCTTTTGCTAAAAACAGCAGAACTTTCCTTAATGTCATTTTCAGCAA[AACTAGTATCTT>A]CCTTTATTTCACCATCATCTAACAGGTCATCAGGTGTCTCAGAACAAACCTGAGATGCAT-3'

ClinVar aggregate classification (germline): Pathogenic. Review status: reviewed by expert panel (3 of 4 stars). 2 submissions from 2 submitters: Pathogenic (1). 1 of the submissions does not count toward it. Last evaluated 2016-10-18.

Conditions:
Breast-ovarian cancer, familial, susceptibility to, 1 (BROVCA1). Also called: BRCA1 Hereditary Breast and Ovarian Cancer; OVARIAN CANCER, SUSCEPTIBILITY TO. Identifiers: Orphanet 145, MedGen C2676676, MONDO:0011450, OMIM 604370. Disease mechanism: loss of function.

Submissions (2):

Evidence-based Network for the Interpretation of Germline Mutant Alleles (ENIGMA)
Classification: Pathogenic for Breast-ovarian cancer, familial, susceptibility to, 1. Last evaluated: 2016-10-18. Review status: reviewed by expert panel. Criteria: ENIGMA BRCA1/2 Classification Criteria (2015). Collection method: curation. Allele origin: germline.
Comment: Variant allele predicted to encode a truncated non-functional protein.

Consortium of Investigators of Modifiers of BRCA1/2 (CIMBA), c/o University of Cambridge
Classification: Pathogenic for Breast-ovarian cancer, familial, susceptibility to, 1. Last evaluated: 2015-10-02. Review status: criteria provided, single submitter. Criteria: CIMBA Mutation Classification guidelines May 2016. Collection method: clinical testing. Allele origin: germline. Not counted in ClinVar's aggregate classification.